The following is an entry in ClinVar:

NM_014014.5(SNRNP200):c.3169G>A (p.Ala1057Thr)

Gene: SNRNP200 (small nuclear ribonucleoprotein U5 subunit 200; minus strand). Cytogenetic location: 2q11.2.
Variant type: single nucleotide variant.
Coding change: c.3169G>A on transcript NM_014014.5 (MANE Select); coding-DNA position 3169, G replaced by A.
Protein change: p.Ala1057Thr; replaces alanine 1057 with threonine.
Molecular consequence: missense variant.
Genome position (GRCh38, 1-based): chr2:96,289,042, C>T on the plus strand (G>A on the coding strand, the complement: SNRNP200 is on the minus strand). VCF-style: chr2-96289042-C-T. GRCh37 (hg19) VCF-style: chr2-96954780-C-T.
Other names: short protein forms A1057T.
Identifiers: ClinVar variation 840934 (VCV000840934.9), dbSNP rs1316852613, ClinGen allele CA347673730.

ClinVar aggregate classification (germline): Uncertain significance (1 of 4 stars; one submission).

Submission:

Labcorp Genetics (formerly Invitae), Labcorp
Classification: Uncertain significance. Last evaluated: 2020-01-23. Review status: criteria provided, single submitter. Criteria: Invitae Variant Classification Sherloc (09022015). Collection method: clinical testing. Allele origin: germline.
Comment: This variant is not present in population databases (ExAC no frequency). In summary, the available evidence is currently insufficient to determine the role of this variant in disease. Therefore, it has been classified as a Variant of Uncertain Significance. Algorithms developed to predict the effect of missense changes on protein structure and function are either unavailable or do not agree on the potential impact of this missense change (SIFT: "Deleterious"; PolyPhen-2: "Probably Damaging"; Align-GVGD: "Class C0"). This variant has not been reported in the literature in individuals with SNRNP200-related conditions. This sequence change replaces alanine with threonine at codon 1057 of the SNRNP200 protein (p.Ala1057Thr). The alanine residue is highly conserved and there is a small physicochemical difference between alanine and threonine.